The following is an entry in ClinVar:

NM_000836.4(GRIN2D):c.3053A>G (p.Glu1018Gly)

Gene: GRIN2D (glutamate ionotropic receptor NMDA type subunit 2D; plus strand). Cytogenetic location: 19q13.33.
Variant type: single nucleotide variant.
Coding change: c.3053A>G on transcript NM_000836.4 (MANE Select); coding-DNA position 3053, A replaced by G.
Protein change: p.Glu1018Gly; replaces glutamic acid 1018 with glycine.
Molecular consequence: missense variant.
Genome position (GRCh38, 1-based): chr19:48,442,979, A>G. VCF-style: chr19-48442979-A-G. GRCh37 (hg19) VCF-style: chr19-48946236-A-G.
Other names: short protein forms E1018G.
Identifiers: ClinVar variation 2005009 (VCV002005009.4), dbSNP rs2513692317, ClinGen allele CA406674783.

ClinVar aggregate classification (germline): Uncertain significance (1 of 4 stars; one submission).

Allele frequency attached by ClinVar (database versions not stated): gnomAD exomes below 0.00001.
gnomAD v4.1: 1 of 1,108,556 alleles (0.00009%); highest among the groups gnomAD compares: Admixed American, 0.0042%; no homozygotes.

Submission:

Labcorp Genetics (formerly Invitae), Labcorp
Classification: Uncertain significance. Last evaluated: 2022-06-12. Review status: criteria provided, single submitter. Criteria: Invitae Variant Classification Sherloc (09022015). Collection method: clinical testing. Allele origin: germline.
Comment: This variant is not present in population databases (gnomAD no frequency). In summary, the available evidence is currently insufficient to determine the role of this variant in disease. Therefore, it has been classified as a Variant of Uncertain Significance. Advanced modeling of protein sequence and biophysical properties (such as structural, functional, and spatial information, amino acid conservation, physicochemical variation, residue mobility, and thermodynamic stability) performed at Invitae indicates that this missense variant is not expected to disrupt GRIN2D protein function. This variant has not been reported in the literature in individuals affected with GRIN2D-related conditions. This sequence change replaces glutamic acid, which is acidic and polar, with glycine, which is neutral and non-polar, at codon 1018 of the GRIN2D protein (p.Glu1018Gly).